The following is an entry in ClinVar:

ClinVar aggregate classification (germline): Uncertain significance (1 of 4 stars; one submission).

Allele frequency attached by ClinVar (database versions not stated): gnomAD exomes below 0.00001.
gnomAD v4.1: 1 of 1,613,944 alleles (0.000062%); highest among the groups gnomAD compares: Non-Finnish European, 0.000085%; no homozygotes.

Submission:

CeGaT Center for Human Genetics Tuebingen
Classification: Uncertain significance. Last evaluated: 2024-05-01. Review status: criteria provided, single submitter. Criteria: CeGaT Center For Human Genetics Tuebingen Variant Classification Criteria Version 2. Collection method: clinical testing. Allele origin: germline. Affected: yes. Observed: 1 variant allele.
Comment: SPTB: PM2, BP4

NM_001355436.2(SPTB):c.3143A>G (p.Gln1048Arg)

Gene: SPTB (spectrin beta, erythrocytic; minus strand). Cytogenetic location: 14q23.3.
Variant type: single nucleotide variant.
Coding change: c.3143A>G on transcript NM_001355436.2 (MANE Select); coding-DNA position 3143, A replaced by G.
Protein change: p.Gln1048Arg; replaces glutamine 1048 with arginine.
Molecular consequence: missense variant.
Genome position (GRCh38, 1-based): chr14:64,786,822, T>C on the plus strand (A>G on the coding strand, the complement: SPTB is on the minus strand). VCF-style: chr14-64786822-T-C. GRCh37 (hg19) VCF-style: chr14-65253540-T-C.
Other names: c.3143A>G, p.Gln1048Arg (NM_001024858.4, NM_001355437.2); short protein forms Q1048R.
Identifiers: ClinVar variation 3239112 (VCV003239112.19), dbSNP rs2503130140.